The following is an entry in ClinVar:

ClinVar aggregate classification (germline): Uncertain significance (1 of 4 stars; one submission).

Submission:

Mayo Clinic Laboratories, Mayo Clinic
Classification: Uncertain significance. Last evaluated: 2023-07-03. Review status: criteria provided, single submitter. Criteria: ACMG Guidelines, 2015. Collection method: clinical testing. Allele origin: germline. Observed: 1 variant allele.
Comment: BP4, PM2

NM_018979.4(WNK1):c.2891C>A (p.Ser964Tyr)

Gene: WNK1 (WNK lysine deficient protein kinase 1; plus strand). Cytogenetic location: 12p13.33.
Variant type: single nucleotide variant.
Coding change: c.2891C>A on transcript NM_018979.4 (MANE Select); coding-DNA position 2891, C replaced by A.
Protein change: p.Ser964Tyr; replaces serine 964 with tyrosine.
Molecular consequence: missense variant. On other transcripts: intron variant (2).
Genome position (GRCh38, 1-based): chr12:880,779, C>A. VCF-style: chr12-880779-C-A. GRCh37 (hg19) VCF-style: chr12-989945-C-A.
Other names: p.Ser964Tyr; c.3671C>A, p.Ser1224Tyr (NM_001184985.2); c.3868-913C>A (NM_213655.5); c.2371-913C>A (NM_014823.3); short protein forms S1224Y, S964Y.
Identifiers: ClinVar variation 3380060 (VCV003380060.1).